The following is an entry in ClinVar:

NM_016239.4(MYO15A):c.10136C>T (p.Ser3379Leu)

Gene: MYO15A (myosin XVA; plus strand). Cytogenetic location: 17p11.2.
Variant type: single nucleotide variant.
Coding change: c.10136C>T on transcript NM_016239.4 (MANE Select); coding-DNA position 10136, C replaced by T.
Protein change: p.Ser3379Leu; replaces serine 3379 with leucine.
Molecular consequence: missense variant.
Genome position (GRCh38, 1-based): chr17:18,171,691, C>T. VCF-style: chr17-18171691-C-T. GRCh37 (hg19) VCF-style: chr17-18075005-C-T.
Other names: c.10136C>T (NM_016239.3); short protein forms S3379L.
Identifiers: ClinVar variation 3366719 (VCV003366719.2).

ClinVar aggregate classification (germline): Uncertain significance. Review status: criteria provided, multiple submitters, no conflicts (2 of 4 stars). 2 submissions from 2 submitters: Uncertain significance (2). Last evaluated 2025-05-20.

gnomAD v4.1: 26 of 1,613,250 alleles (0.0016%); highest among the groups gnomAD compares: Middle Eastern, 0.016%; no homozygotes.

Submissions (2):

GeneDx
Classification: Uncertain significance. Last evaluated: 2025-05-20. Review status: criteria provided, single submitter. Criteria: GeneDx Variant Classification Process June 2021. Collection method: clinical testing. Allele origin: germline. Affected: yes.
Comment: In silico analysis supports that this missense variant has a deleterious effect on protein structure/function

Women's Health and Genetics/Laboratory Corporation of America, LabCorp
Classification: Uncertain significance. Last evaluated: 2024-08-19. Review status: criteria provided, single submitter. Criteria: LabCorp Variant Classification Summary - May 2015. Collection method: clinical testing. Allele origin: germline.
Comment: Variant summary: MYO15A c.10136C>T (p.Ser3379Leu) results in a non-conservative amino acid change located in the FERM domain (IPR000299) of the encoded protein sequence. Three of five in-silico tools predict a benign effect of the variant on protein function. The variant allele was found at a frequency of 1.6e-05 in 247824 control chromosomes. The available data on variant occurrences in the general population are insufficient to allow any conclusion about variant significance. To our knowledge, no occurrence of c.10136C>T in individuals affected with Autosomal Recessive Nonsyndromic Hearing Loss 3 and no experimental evidence demonstrating its impact on protein function have been reported. No submitters have cited clinical-significance assessments for this variant to ClinVar. Based on the evidence outlined above, the variant was classified as uncertain significance.